The following is an entry in ClinVar:

ClinVar aggregate classification (germline): Uncertain significance (1 of 4 stars; one submission).

gnomAD v4.1: 40 of 1,614,008 alleles (0.0025%); highest among the groups gnomAD compares: South Asian, 0.037%; 1 homozygote.

Submission:

Mayo Clinic Laboratories, Mayo Clinic
Classification: Uncertain significance. Last evaluated: 2024-07-31. Review status: criteria provided, single submitter. Criteria: ACMG Guidelines, 2015. Collection method: clinical testing. Allele origin: germline. Observed: 1 variant allele.
Comment: PM2

NM_001278064.2(GRM1):c.2908C>T (p.Pro970Ser)

Gene: GRM1 (glutamate metabotropic receptor 1; plus strand). Cytogenetic location: 6q24.3.
Variant type: single nucleotide variant.
Coding change: c.2908C>T on transcript NM_001278064.2 (MANE Select); coding-DNA position 2908, C replaced by T.
Protein change: p.Pro970Ser; replaces proline 970 with serine.
Molecular consequence: missense variant. On other transcripts: 3 prime UTR variant (3).
Genome position (GRCh38, 1-based): chr6:146,434,119, C>T. VCF-style: chr6-146434119-C-T. GRCh37 (hg19) VCF-style: chr6-146755255-C-T.
Other names: p.Pro970Ser; c.*272C>T (NM_001278065.2); c.*237C>T (NM_001278066.1); c.*146C>T (NM_001278067.1); short protein forms P970S.
Identifiers: ClinVar variation 3379717 (VCV003379717.1).